The following is an entry in ClinVar:

ClinVar aggregate classification (germline): Likely benign (0 of 4 stars; one submission).

Conditions:
CC2D2A-related disorder. Also called: CC2D2A-related disorders; CC2D2A-related condition. Identifiers: MedGen CN239313.

gnomAD v4.1: 3 of 1,603,046 alleles (0.00019%); highest among the groups gnomAD compares: Non-Finnish European, 0.00017%; no homozygotes.

Submission:

PreventionGenetics, part of Exact Sciences
Classification: Likely benign for CC2D2A-related condition. Last evaluated: 2023-02-13. Review status: no assertion criteria provided. Collection method: clinical testing. Allele origin: germline.
Comment: This variant is classified as likely benign based on ACMG/AMP sequence variant interpretation guidelines (Richards et al. 2015 PMID: 25741868, with internal and published modifications).

NM_001378615.1(CC2D2A):c.540+9T>C

Genes: CC2D2A (coiled-coil and C2 domain containing 2A; plus strand), FBXL5 (F-box and leucine rich repeat protein 5; minus strand). Cytogenetic location: 4p15.32.
Variant type: single nucleotide variant.
Coding change: c.540+9T>C on transcript NM_001378615.1 (MANE Select); 9 bases into the intron after coding-DNA position 540, T replaced by C.
Molecular consequence: intron variant.
Genome position (GRCh38, 1-based): chr4:15,510,249, T>C. VCF-style: chr4-15510249-T-C. GRCh37 (hg19) VCF-style: chr4-15511872-T-C.
Other names: c.540+9T>C (NM_001080522.2); c.393+9T>C (NM_001378617.1).
Identifiers: ClinVar variation 3053332 (VCV003053332.2), dbSNP rs1716494130, ClinGen allele CA1440673256.